The following is an entry in ClinVar:

ClinVar aggregate classification (germline): Pathogenic (1 of 4 stars; one submission).

Conditions:
Pheochromocytoma/paraganglioma syndrome 4. Also called: SDHB-Related Hereditary Paraganglioma-Pheochromocytoma Syndrome (Paragangliomas 4); SDHB-Related Hereditary Paraganglioma-Pheochromocytoma Syndrome; CAROTID BODY TUMORS AND MULTIPLE EXTRAADRENAL PHEOCHROMOCYTOMAS; PARAGANGLIOMA, FAMILIAL MALIGNANT; PARAGANGLIOMAS, HEREDITARY EXTRAADRENAL; PHEOCHROMOCYTOMA, FAMILIAL EXTRAADRENAL. Identifiers: Orphanet 29072, MedGen C1861848, MONDO:0007273, OMIM 115310.
Pheochromocytoma. Also called: MAX-Related Hereditary Paraganglioma-Pheochromocytoma Syndrome. Identifiers: Orphanet 29072, MedGen C0031511, MONDO:0008233, OMIM 171300, HP:0002666.
Gastrointestinal stromal tumor. Also called: Gastrointestinal stromal tumor, somatic; Gastrointestinal stroma tumor. Identifiers: Orphanet 44890, MedGen C0238198, MeSH D046152, MONDO:0011719, OMIM 606764, HP:0100723.

Submission:

Labcorp Genetics (formerly Invitae), Labcorp
Classification: Pathogenic for Gastrointestinal stromal tumor; Pheochromocytoma/paraganglioma syndrome 4; Pheochromocytoma. Last evaluated: 2022-06-29. Review status: criteria provided, single submitter. Criteria: Invitae Variant Classification Sherloc (09022015). Collection method: clinical testing. Allele origin: germline.
Comment: For these reasons, this variant has been classified as Pathogenic. A similar copy number variant has been observed in individual(s) with an abdominal paraganglioma (PMID: 23666964). This variant is a gross deletion of the genomic region encompassing exon(s) 2 of the SDHB gene. This deletion is out-of-frame, and is expected to create a premature termination codon and result in an absent or disrupted protein product. Loss-of-function variants in SDHB are known to be pathogenic (PMID: 19454582, 19802898).

Literature cited by the submitters: PubMed 23666964; PubMed 19454582; PubMed 19802898.

NC_000001.11:g.(?_17044751)_(17044898_?)del

Gene: SDHB (succinate dehydrogenase complex iron sulfur subunit B; minus strand). Cytogenetic location: 1p36.13.
Variant type: Deletion.
Identifiers: ClinVar variation 649629 (VCV000649629.16).